The following is an entry in ClinVar:

ClinVar aggregate classification (germline): Uncertain significance (1 of 4 stars; one submission).

Conditions:
X-linked agammaglobulinemia with growth hormone deficiency (IGHD3). Also called: FLEISHER SYNDROME; HYPOGAMMAGLOBULINEMIA AND ISOLATED GROWTH HORMONE DEFICIENCY, X-LINKED; IGHD III; AGAMMAGLOBULINEMIA AND ISOLATED GROWTH HORMONE DEFICIENCY, X-LINKED; Isolated growth hormone deficiency type 3; Growth hormone deficiency with hypogammaglobulinemia. Identifiers: Orphanet 231692, Orphanet 631, MedGen C0472813, MONDO:0010615, OMIM 307200.

Submission:

Labcorp Genetics (formerly Invitae), Labcorp
Classification: Uncertain significance for X-linked agammaglobulinemia with growth hormone deficiency. Last evaluated: 2018-08-08. Review status: criteria provided, single submitter. Criteria: Invitae Variant Classification Sherloc (09022015). Collection method: clinical testing. Allele origin: germline.
Comment: This sequence change replaces methionine with leucine at codon 587 of the BTK protein (p.Met587Leu). The methionine residue is highly conserved and there is a small physicochemical difference between methionine and leucine. This variant is not present in population databases (ExAC no frequency). This variant has been observed in an individual affected with "leaky"Â¬â€ X-linked agammaglobulinemia (XLA)Â¬â€ (PMID:Â¬â€ 7633420). Algorithms developed to predict the effect of missense changes on protein structure and function are either unavailable or do not agree on the potential impact of this missense change (SIFT: "Deleterious"; PolyPhen-2: "Benign"; Align-GVGD: "Class C0"). In summary, the available evidence is currently insufficient to determine the role of this variant in disease. Therefore, it has been classified as a Variant of Uncertain Significance.

NM_000061.3(BTK):c.1759A>C (p.Met587Leu)

Gene: BTK (Bruton tyrosine kinase; minus strand). Cytogenetic location: Xq22.1.
Variant type: single nucleotide variant.
Coding change: c.1759A>C on transcript NM_000061.3 (MANE Select); coding-DNA position 1759, A replaced by C.
Protein change: p.Met587Leu; replaces methionine 587 with leucine.
Molecular consequence: missense variant.
Genome position (GRCh38, 1-based): chrX:101,353,343, T>G on the plus strand (A>C on the coding strand, the complement: BTK is on the minus strand). VCF-style: chrX-101353343-T-G. GRCh37 (hg19) VCF-style: chrX-100608331-T-G.
Other names: c.1861A>C, p.Met621Leu (NM_001287344.2); c.1231A>C, p.Met411Leu (NM_001287345.2); short protein forms M621L, M411L, M587L.
Identifiers: ClinVar variation 654423 (VCV000654423.1), dbSNP rs1603001822, ClinGen allele CA413919581.